The following is an entry in ClinVar:

ClinVar aggregate classification (germline): Likely pathogenic (1 of 4 stars; one submission).

Conditions:
Hereditary factor VIII deficiency disease (HEMA). Also called: HEMOPHILIA, CLASSIC; AUTOSOMAL HEMOPHILIA A; Hemophilia A; Hemophilia A, congenital; HEM A; Factor 8 deficiency, congenital. Identifiers: Orphanet 98878, MedGen C0019069, MONDO:0010602, OMIM 306700.

Submission:

3billion
Classification: Likely pathogenic for Hereditary factor VIII deficiency disease. Last evaluated: 2022-09-01. Review status: criteria provided, single submitter. Criteria: ACMG Guidelines, 2015. Collection method: clinical testing. Allele origin: germline. Affected: yes. Observed: 1 hemizygote.
Comment: The variant is not observed in the gnomAD v2.1.1 dataset. It is located in a mutational hot spot and/or well-established functional domain in which established pathogenic variants have been reported. Missense changes are a common disease-causing mechanism. In silico tool predictions suggest damaging effect of the variant on gene or gene product (REVEL: 0.92; 3Cnet: 0.96). A different missense change at the same codon (p.Ser2125Thr) has been reported to be associated with F8-related disorder (PMID: 18217193). Therefore, this variant is classified as Likely pathogenic according to the recommendation of ACMG/AMP guideline.

Literature cited by the submitters: PubMed 18217193.

NM_000132.4(F8):c.6375T>A (p.Ser2125Arg)

Gene: F8 (coagulation factor VIII; minus strand). Cytogenetic location: Xq28.
Variant type: single nucleotide variant.
Coding change: c.6375T>A on transcript NM_000132.4 (MANE Select); coding-DNA position 6375, T replaced by A.
Protein change: p.Ser2125Arg; replaces serine 2125 with arginine.
Molecular consequence: missense variant.
Genome position (GRCh38, 1-based): chrX:154,896,131, A>T on the plus strand (T>A on the coding strand, the complement: F8 is on the minus strand). VCF-style: chrX-154896131-A-T. GRCh37 (hg19) VCF-style: chrX-154124406-A-T.
Other names: short protein forms S2125R.
Identifiers: ClinVar variation 1705467 (VCV001705467.1), dbSNP rs1557275595, ClinGen allele CA414899622.